The following is an entry in ClinVar:

ClinVar aggregate classification (germline): Uncertain significance (1 of 4 stars; one submission).

Conditions:
Exostoses, multiple, type 2 (EXT2). Also called: EXOSTOSES, MULTIPLE, TYPE II; Hereditary Multiple Osteochondromatosis, Type II. Identifiers: Orphanet 321, MedGen C1851413, MONDO:0007586, OMIM 133701.

Submission:

Labcorp Genetics (formerly Invitae), Labcorp
Classification: Uncertain significance for Exostoses, multiple, type 2. Last evaluated: 2022-03-29. Review status: criteria provided, single submitter. Criteria: Invitae Variant Classification Sherloc (09022015). Collection method: clinical testing. Allele origin: germline.
Comment: This sequence change replaces valine, which is neutral and non-polar, with alanine, which is neutral and non-polar, at codon 319 of the EXT2 protein (p.Val319Ala). This variant is not present in population databases (gnomAD no frequency). This variant has not been reported in the literature in individuals affected with EXT2-related conditions. Algorithms developed to predict the effect of missense changes on protein structure and function (SIFT, PolyPhen-2, Align-GVGD) all suggest that this variant is likely to be tolerated. In summary, the available evidence is currently insufficient to determine the role of this variant in disease. Therefore, it has been classified as a Variant of Uncertain Significance.

NM_207122.2(EXT2):c.956T>C (p.Val319Ala)

Gene: EXT2 (exostosin glycosyltransferase 2; plus strand). Cytogenetic location: 11p11.2.
Variant type: single nucleotide variant.
Coding change: c.956T>C on transcript NM_207122.2 (MANE Select); coding-DNA position 956, T replaced by C.
Protein change: p.Val319Ala; replaces valine 319 with alanine.
Molecular consequence: missense variant.
Genome position (GRCh38, 1-based): chr11:44,126,832, T>C. VCF-style: chr11-44126832-T-C. GRCh37 (hg19) VCF-style: chr11-44148382-T-C.
Other names: c.1055T>C, p.Val352Ala (NM_000401.3); c.956T>C, p.Val319Ala (NM_001178083.3, NM_001389628.1, NM_001389630.1); short protein forms V319A, V352A.
Identifiers: ClinVar variation 1963330 (VCV001963330.5), dbSNP rs2539568109, ClinGen allele CA380168813.
Genomic context (GRCh38, chr11:44,126,832, plus strand): 5'-AGCAAAACTAGTTTGTAATCTCTTGCCTCTTTGTGTTCCTGCAGGAGGCTACTTTCTGTG[T>C]GGTTCTTCGTGGAGCTCGGCTGGGCCAGGCAGTATTGAGCGATGTGTTACAAGCTGGCTG-3'
Protein context (NP_997005.1, residues 309-329): PQVLQEATFC[Val319Ala]VLRGARLGQA